The following is an entry in ClinVar:

NM_000069.3(CACNA1S):c.5209_5226+3dup

Gene: CACNA1S (calcium voltage-gated channel subunit alpha1 S; minus strand). Cytogenetic location: 1q32.1.
Variant type: Duplication.
Coding change: c.5209_5226+3dup on transcript NM_000069.3 (MANE Select); coding-DNA position 5209 through 3 bases into the intron after coding-DNA position 5226, 21 bases duplicated (CCTCCTGCCCCCTGCCAGGTA).
Molecular consequence: splice donor variant.
Genome position (GRCh38, 1-based): chr1:201,040,619-201,040,639, TACCTGGCAGGGGGCAGGAGG duplicated on the plus strand (CCTCCTGCCCCCTGCCAGGTA on the coding strand, the reverse complement: CACNA1S is on the minus strand); duplicating any 21 consecutive bases within chr1:201,040,619-201,040,640 gives the same sequence; the c. name uses the placement nearest the transcript's 3' end. VCF-style (leftmost placement, unchanged base first): chr1-201040618-T-TTACCTGGCAGGGGGCAGGAGG. GRCh37 (hg19) VCF-style: chr1-201009746-T-TTACCTGGCAGGGGGCAGGAGG.
Identifiers: ClinVar variation 1027215 (VCV001027215.9), dbSNP rs1660129870, ClinGen allele CA1219569245.

ClinVar aggregate classification (germline): Uncertain significance (1 of 4 stars; one submission).

Conditions:
Hypokalemic periodic paralysis, type 1. Also called: HypoPP; Hypokalemic Periodic Paralysis Type 1 (AD). Identifiers: Orphanet 681, MedGen C3714580, MONDO:0042979, OMIM 170400.
Malignant hyperthermia, susceptibility to, 5 (MHS5). Also called: CACNA1S-Related Malignant Hyperthermia Susceptibility. Identifiers: Orphanet 423, MedGen C1866077, MONDO:0011163, OMIM 601887.

Submission:

Labcorp Genetics (formerly Invitae), Labcorp
Classification: Uncertain significance for Hypokalemic periodic paralysis, type 1; Malignant hyperthermia, susceptibility to, 5. Last evaluated: 2020-03-12. Review status: criteria provided, single submitter. Criteria: Invitae Variant Classification Sherloc (09022015). Collection method: clinical testing. Allele origin: germline.
Comment: In summary, the available evidence is currently insufficient to determine the role of this variant in disease. Therefore, it has been classified as a Variant of Uncertain Significance. This variant has not been reported in the literature in individuals with CACNA1S-related conditions. This variant is not present in population databases (ExAC no frequency). Experimental studies and prediction algorithms are not available or were not evaluated, and the functional significance of this variant is currently unknown. This variant, c.5209_5226+3dup, results in the insertion of 7 amino acid(s) to the CACNA1S protein (p.Pro1737_Pro1738ins7), but otherwise preserves the integrity of the reading frame.